The following is an entry in ClinVar:

NM_032833.5(PPP1R15B):c.1441T>C (p.Phe481Leu)

Gene: PPP1R15B (protein phosphatase 1 regulatory subunit 15B; minus strand). Cytogenetic location: 1q32.1.
Variant type: single nucleotide variant.
Coding change: c.1441T>C on transcript NM_032833.5 (MANE Select); coding-DNA position 1441, T replaced by C.
Protein change: p.Phe481Leu; replaces phenylalanine 481 with leucine.
Molecular consequence: missense variant.
Genome position (GRCh38, 1-based): chr1:204,409,971, A>G on the plus strand (T>C on the coding strand, the complement: PPP1R15B is on the minus strand). VCF-style: chr1-204409971-A-G. GRCh37 (hg19) VCF-style: chr1-204379099-A-G.
Other names: c.1441T>C (NM_032833.3); short protein forms F481L.
Identifiers: ClinVar variation 1993645 (VCV001993645.5), dbSNP rs779063788, ClinGen allele CA1346633.

ClinVar aggregate classification (germline): Uncertain significance. Review status: criteria provided, multiple submitters, no conflicts (2 of 4 stars). 2 submissions from 2 submitters: Uncertain significance (2). Last evaluated 2024-01-29.

Conditions:
Inborn genetic diseases. Identifiers: MedGen C0950123, MeSH D030342.

Allele frequency attached by ClinVar (database versions not stated): gnomAD 0.00001; ExAC 0.00002.

Submissions (2):

Ambry Genetics
Classification: Uncertain significance for Inborn genetic diseases. Last evaluated: 2024-01-29. Review status: criteria provided, single submitter. Criteria: Ambry Variant Classification Scheme 2023. Collection method: clinical testing. Allele origin: germline.

Labcorp Genetics (formerly Invitae), Labcorp
Classification: Uncertain significance. Last evaluated: 2022-07-17. Review status: criteria provided, single submitter. Criteria: Invitae Variant Classification Sherloc (09022015). Collection method: clinical testing. Allele origin: germline.
Comment: This sequence change replaces phenylalanine, which is neutral and non-polar, with leucine, which is neutral and non-polar, at codon 481 of the PPP1R15B protein (p.Phe481Leu). This variant is present in population databases (rs779063788, gnomAD 0.06%), and has an allele count higher than expected for a pathogenic variant. This variant has not been reported in the literature in individuals affected with PPP1R15B-related conditions. Algorithms developed to predict the effect of missense changes on protein structure and function are either unavailable or do not agree on the potential impact of this missense change (SIFT: "Tolerated"; PolyPhen-2: "Possibly Damaging"; Align-GVGD: "Class C0"). In summary, the available evidence is currently insufficient to determine the role of this variant in disease. Therefore, it has been classified as a Variant of Uncertain Significance.